The following is an entry in ClinVar:

ClinVar aggregate classification (germline): Uncertain significance (1 of 4 stars; one submission).

Submission:

Labcorp Genetics (formerly Invitae), Labcorp
Classification: Uncertain significance. Last evaluated: 2022-08-22. Review status: criteria provided, single submitter. Criteria: Invitae Variant Classification Sherloc (09022015). Collection method: clinical testing. Allele origin: germline.
Comment: In summary, the available evidence is currently insufficient to determine the role of this variant in disease. Therefore, it has been classified as a Variant of Uncertain Significance. Algorithms developed to predict the effect of missense changes on protein structure and function are either unavailable or do not agree on the potential impact of this missense change (SIFT: "Deleterious"; PolyPhen-2: "Probably Damaging"; Align-GVGD: "Class C0"). This variant has not been reported in the literature in individuals affected with POLR3A-related conditions. This variant is not present in population databases (gnomAD no frequency). This sequence change replaces glycine, which is neutral and non-polar, with alanine, which is neutral and non-polar, at codon 806 of the POLR3A protein (p.Gly806Ala).

NM_007055.4(POLR3A):c.2417G>C (p.Gly806Ala)

Gene: POLR3A (RNA polymerase III subunit A; minus strand). Cytogenetic location: 10q22.3.
Variant type: single nucleotide variant.
Coding change: c.2417G>C on transcript NM_007055.4 (MANE Select); coding-DNA position 2417, G replaced by C.
Protein change: p.Gly806Ala; replaces glycine 806 with alanine.
Molecular consequence: missense variant.
Genome position (GRCh38, 1-based): chr10:78,001,037, C>G on the plus strand (G>C on the coding strand, the complement: POLR3A is on the minus strand). VCF-style: chr10-78001037-C-G. GRCh37 (hg19) VCF-style: chr10-79760795-C-G.
Other names: short protein forms G806A.
Identifiers: ClinVar variation 1717530 (VCV001717530.5), dbSNP rs2493207872, ClinGen allele CA377336380.